The following is an entry in ClinVar:

ClinVar aggregate classification (germline): Uncertain significance. Review status: criteria provided, multiple submitters, no conflicts (2 of 4 stars). 4 submissions from 4 submitters: Uncertain significance (4). Last evaluated 2026-05-07.

Conditions:
Bardet-Biedl syndrome 18 (BBS18). Identifiers: Orphanet 110, MedGen C3806174, MONDO:0014446, OMIM 615995.
BBIP1-related disorder. Also called: BBIP1-related condition.

Allele frequency attached by ClinVar (database versions not stated): gnomAD exomes 0.00002; TOPMed 0.00002; gnomAD 0.00004 and 0.00005; 1000 Genomes Project 0.00020; 1000 Genomes Project 30x 0.00031.

Submissions (4):

PreventionGenetics, part of Exact Sciences
Classification: Uncertain significance for BBIP1-related condition. Last evaluated: 2026-05-07. Review status: criteria provided, single submitter. Criteria: ACMG Guidelines, 2015. Collection method: clinical testing. Allele origin: germline.
Comment: The BBIP1 c.142A>G variant is predicted to result in the amino acid substitution p.Met48Val. To our knowledge, this variant has not been reported in the literature. This variant is reported in 0.0080% of alleles in individuals of Latino descent in gnomAD. At this time, the clinical significance of this variant is uncertain due to the absence of conclusive functional and genetic evidence.

Ambry Genetics
Classification: Uncertain significance. Last evaluated: 2025-05-04. Review status: criteria provided, single submitter. Criteria: Ambry Variant Classification Scheme 2023. Collection method: clinical testing. Allele origin: germline.

Labcorp Genetics (formerly Invitae), Labcorp
Classification: Uncertain significance. Last evaluated: 2024-10-14. Review status: criteria provided, single submitter. Criteria: Invitae Variant Classification Sherloc (09022015). Collection method: clinical testing. Allele origin: germline.
Comment: This sequence change replaces methionine, which is neutral and non-polar, with valine, which is neutral and non-polar, at codon 48 of the BBIP1 protein (p.Met48Val). This variant is present in population databases (rs565980586, gnomAD 0.008%). This variant has not been reported in the literature in individuals affected with BBIP1-related conditions. ClinVar contains an entry for this variant (Variation ID: 1501977). An algorithm developed to predict the effect of missense changes on protein structure and function (PolyPhen-2) suggests that this variant¬†is likely to be tolerated. In summary, the available evidence is currently insufficient to determine the role of this variant in disease. Therefore, it has been classified as a Variant of Uncertain Significance.

Fulgent Genetics
Classification: Uncertain significance for Bardet-Biedl syndrome 18. Last evaluated: 2021-10-12. Review status: criteria provided, single submitter. Criteria: ACMG Guidelines, 2015. Collection method: clinical testing. Allele origin: unknown.

NM_001195305.3(BBIP1):c.142A>G (p.Met48Val)

Gene: BBIP1 (BBSome interacting protein 1; minus strand). Cytogenetic location: 10q25.2.
Variant type: single nucleotide variant.
Coding change: c.142A>G on transcript NM_001195305.3 (MANE Select); coding-DNA position 142, A replaced by G.
Protein change: p.Met48Val; replaces methionine 48 with valine.
Molecular consequence: missense variant.
Genome position (GRCh38, 1-based): chr10:110,900,497, T>C on the plus strand (A>G on the coding strand, the complement: BBIP1 is on the minus strand). VCF-style: chr10-110900497-T-C. GRCh37 (hg19) VCF-style: chr10-112660255-T-C.
Other names: c.299A>G, p.Asn100Ser (NM_001195304.2); c.142A>G, p.Met48Val (NM_001195306.2); c.67A>G, p.Met23Val (NM_001195307.2); c.76A>G, p.Met26Val (NM_001243783.3); c.299A>G (NM_001195304.1); short protein forms M26V, N100S, M23V, M48V.
Identifiers: ClinVar variation 1501977 (VCV001501977.12), dbSNP rs565980586, ClinGen allele CA213246720.
Genomic context (GRCh38, chr10:110,900,497, plus strand): 5'-TCTCTAGTTTTTCCAGAGTCAGAGATTTTAAGGGTAAAAGTTTGGGTTTACACAGCACCA[T>C]TGTCATTATATCTTCCACAAACAGTGGCCCTAAGTTTAACAAGAAATAAGAATTAATTCA-3'
Protein context (NP_001182234.1, residues 38-58): GPLFVEDIMT[Met48Val]VLCKPKLLPL